The following is an entry in ClinVar:

ClinVar aggregate classification (germline): Likely pathogenic (1 of 4 stars; one submission).

Conditions:
NOTCH1-related disorder. Also called: NOTCH1-related disorders; NOTCH1-related condition.

Submission:

PreventionGenetics, part of Exact Sciences
Classification: Likely pathogenic for NOTCH1-related condition. Last evaluated: 2026-04-13. Review status: criteria provided, single submitter. Criteria: ACMG Guidelines, 2015. Collection method: clinical testing. Allele origin: germline.
Comment: The NOTCH1 c.2175C>A variant is predicted to result in premature protein termination (p.Cys725*). To our knowledge, this variant has not been reported in the literature or in a large population database (gnomAD), indicating this variant is rare. Nonsense variants in NOTCH1 are expected to be pathogenic. This variant is interpreted as likely pathogenic.

NM_017617.5(NOTCH1):c.2175C>A (p.Cys725Ter)

Gene: NOTCH1 (notch receptor 1; minus strand). Cytogenetic location: 9q34.3.
Variant type: single nucleotide variant.
Coding change: c.2175C>A on transcript NM_017617.5 (MANE Select); coding-DNA position 2175, C replaced by A.
Protein change: p.Cys725Ter; replaces cysteine 725 with a stop codon.
Molecular consequence: nonsense.
Genome position (GRCh38, 1-based): chr9:136,514,542, G>T on the plus strand (C>A on the coding strand, the complement: NOTCH1 is on the minus strand). VCF-style: chr9-136514542-G-T. GRCh37 (hg19) VCF-style: chr9-139408994-G-T.
Other names: short protein forms C725*.
Identifiers: ClinVar variation 4995165 (VCV004995165.1).